The following is an entry in ClinVar:

ClinVar aggregate classification (germline): Uncertain significance (1 of 4 stars; one submission).

Submission:

Women's Health and Genetics/Laboratory Corporation of America, LabCorp
Classification: Uncertain significance. Last evaluated: 2026-06-22. Review status: criteria provided, single submitter. Criteria: LabCorp Variant Classification Summary - May 2015. Collection method: clinical testing. Allele origin: germline.
Comment: Variant summary: The variant involves the duplication of exons 1-5 in the ARX gene. A presumed nomenclature of c.(?_-229)_(*977_?)dup has been designated for the purposes of this classification. This duplication includes the entire coding sequence of the gene. As exact breakpoints are unknown, it may extend beyond the annotated region of the gene, to include other flanking genes. The variant was absent in 16120 control chromosomes. The available data on variant occurrences in the general population are insufficient to allow any conclusion about variant significance. To our knowledge, no occurrence of c.(?_-229)_(*977_?)dup in individuals affected with ARX-related conditions and no experimental evidence demonstrating its impact on protein function have been reported. ClinVar contains an entry for this variant (Variation ID: 3245505). Based on the evidence outlined above, the variant was classified as uncertain significance.

NC_000023.10:g.(?_25021810)_(25034083_?)dup

Gene: ARX (aristaless related homeobox; minus strand). Cytogenetic location: Xp21.3.
Variant type: Duplication.
Identifiers: ClinVar variation 4887772 (VCV004887772.1).